The following is an entry in ClinVar:

ClinVar aggregate classification (germline): Uncertain significance (1 of 4 stars; one submission).

Conditions:
DICER1-related tumor predisposition. Also called: DICER1-related pleuropulmonary blastoma cancer predisposition syndrome; DICER1 syndrome. Identifiers: Orphanet 284343, MedGen C3839822, MONDO:0100216.

Submission:

Labcorp Genetics (formerly Invitae), Labcorp
Classification: Uncertain significance for DICER1-related tumor predisposition. Last evaluated: 2023-11-20. Review status: criteria provided, single submitter. Criteria: Invitae Variant Classification Sherloc (09022015). Collection method: clinical testing. Allele origin: germline.
Comment: This sequence change replaces lysine, which is basic and polar, with threonine, which is neutral and polar, at codon 1615 of the DICER1 protein (p.Lys1615Thr). This variant is not present in population databases (gnomAD no frequency). This variant has not been reported in the literature in individuals affected with DICER1-related conditions. An algorithm developed to predict the effect of missense changes on protein structure and function (PolyPhen-2) suggests that this variant is likely to be tolerated. In summary, the available evidence is currently insufficient to determine the role of this variant in disease. Therefore, it has been classified as a Variant of Uncertain Significance.

NM_177438.3(DICER1):c.4844A>C (p.Lys1615Thr)

Gene: DICER1 (dicer 1, ribonuclease III; minus strand). Cytogenetic location: 14q32.13.
Variant type: single nucleotide variant.
Coding change: c.4844A>C on transcript NM_177438.3 (MANE Select); coding-DNA position 4844, A replaced by C.
Protein change: p.Lys1615Thr; replaces lysine 1615 with threonine.
Molecular consequence: missense variant. On other transcripts: non-coding transcript variant (6).
Genome position (GRCh38, 1-based): chr14:95,096,076, T>G on the plus strand (A>C on the coding strand, the complement: DICER1 is on the minus strand). VCF-style: chr14-95096076-T-G. GRCh37 (hg19) VCF-style: chr14-95562413-T-G.
Other names: c.4844A>C, p.Lys1615Thr (NM_001195573.1, NM_001271282.3, NM_001291628.2 and 13 more transcripts); c.4562A>C, p.Lys1521Thr (NM_001395686.1); c.4439A>C, p.Lys1480Thr (NM_001395687.1, NM_001395688.1, NM_001395689.1 and 2 more transcripts); c.4277A>C, p.Lys1426Thr (NM_001395691.1); c.3161A>C, p.Lys1054Thr (NM_001395697.1); short protein forms K1426T, K1521T, K1480T, K1054T, K1615T.
Identifiers: ClinVar variation 2870470 (VCV002870470.3), dbSNP rs2542483734, ClinGen allele CA390866794.